The following is an entry in ClinVar:

NM_015559.3(SETBP1):c.4728A>G (p.Glu1576=)

Gene: SETBP1 (SET binding protein 1; plus strand). Cytogenetic location: 18q12.3.
Variant type: single nucleotide variant.
Coding change: c.4728A>G on transcript NM_015559.3 (MANE Select); coding-DNA position 4728, A replaced by G.
Protein change: p.Glu1576=; no amino-acid change (glutamic acid 1576 retained).
Molecular consequence: synonymous variant.
Genome position (GRCh38, 1-based): chr18:45,063,635, A>G. VCF-style: chr18-45063635-A-G. GRCh37 (hg19) VCF-style: chr18-42643600-A-G.
Other names: c.4728A>G, p.Glu1576= (NM_001379141.1, NM_001379142.1).
Identifiers: ClinVar variation 1271716 (VCV001271716.10), dbSNP rs372933465, ClinGen allele CA8946171.

ClinVar aggregate classification (germline): Benign/Likely benign. Review status: criteria provided, multiple submitters, no conflicts (2 of 4 stars). 3 submissions from 3 submitters: Benign (1); Likely benign (2). Last evaluated 2026-01-25.

Conditions:
SETBP1-related disorder. Also called: SETBP1-related condition; SETBP1-related disorders.

Allele frequency attached by ClinVar (database versions not stated): gnomAD exomes 0.00004 and 0.00014; 1000 Genomes Project 30x 0.00016; 1000 Genomes Project 0.00020; ExAC 0.00022; gnomAD 0.00040 and 0.00044; TOPMed 0.00051; ESP Exome Variant Server 0.00056.
gnomAD v4.1: 124 of 1,601,432 alleles (0.0077%); highest among the groups gnomAD compares: African/African-American, 0.14%; no homozygotes.

Submissions (3):

Labcorp Genetics (formerly Invitae), Labcorp
Classification: Likely benign. Last evaluated: 2026-01-25. Review status: criteria provided, single submitter. Criteria: Invitae Variant Classification Sherloc (09022015). Collection method: clinical testing. Allele origin: germline.

PreventionGenetics, part of Exact Sciences
Classification: Likely benign for SETBP1-related condition. Last evaluated: 2024-12-30. Review status: criteria provided, single submitter. Criteria: ACMG Guidelines, 2015. Collection method: clinical testing. Allele origin: germline.
Comment: This variant is classified as likely benign based on ACMG/AMP sequence variant interpretation guidelines (Richards et al. 2015 PMID: 25741868, with internal and published modifications).

GeneDx
Classification: Benign. Last evaluated: 2020-03-31. Review status: criteria provided, single submitter. Criteria: GeneDx Variant Classification Process June 2021. Collection method: clinical testing. Allele origin: germline. Affected: yes.